The following is an entry in ClinVar:

ClinVar aggregate classification (germline): Uncertain significance (1 of 4 stars; one submission).

Conditions:
Inborn genetic diseases. Identifiers: MedGen C0950123, MeSH D030342.

gnomAD v4.1: 5 of 1,613,834 alleles (0.00031%); highest among the groups gnomAD compares: Non-Finnish European, 0.00034%; no homozygotes.

Submission:

Ambry Genetics
Classification: Uncertain significance for Inborn genetic diseases. Last evaluated: 2026-04-14. Review status: criteria provided, single submitter. Criteria: Ambry Variant Classification Scheme 2023. Collection method: clinical testing. Allele origin: germline.
Comment: The c.6428A>G (p.N2143S) alteration is located in exon 36 (coding exon 35) of the MYO9A gene. This alteration results from a A to G substitution at nucleotide position 6428, causing the asparagine (N) at amino acid position 2143 to be replaced by a serine (S). Based on data from gnomAD, the G allele has an overall frequency of 0.003% (1/31398) total alleles studied. The highest observed frequency was 0.007% (1/15428) of European (non-Finnish) alleles. Based on insufficient or conflicting evidence, the clinical significance of this alteration remains unclear.

NM_006901.4(MYO9A):c.6428A>G (p.Asn2143Ser)

Gene: MYO9A (myosin IXA; minus strand). Cytogenetic location: 15q23.
Variant type: single nucleotide variant.
Coding change: c.6428A>G on transcript NM_006901.4 (MANE Select); coding-DNA position 6428, A replaced by G.
Protein change: p.Asn2143Ser; replaces asparagine 2143 with serine.
Molecular consequence: missense variant.
Genome position (GRCh38, 1-based): chr15:71,852,179, T>C on the plus strand (A>G on the coding strand, the complement: MYO9A is on the minus strand). VCF-style: chr15-71852179-T-C. GRCh37 (hg19) VCF-style: chr15-72144520-T-C.
Other names: short protein forms N2143S.
Identifiers: ClinVar variation 4860667 (VCV004860667.1).